The following is an entry in ClinVar:

NM_004525.3(LRP2):c.974C>A (p.Pro325Gln)

Gene: LRP2 (LDL receptor related protein 2; minus strand). Cytogenetic location: 2q31.1.
Variant type: single nucleotide variant.
Coding change: c.974C>A on transcript NM_004525.3 (MANE Select); coding-DNA position 974, C replaced by A.
Protein change: p.Pro325Gln; replaces proline 325 with glutamine.
Molecular consequence: missense variant.
Genome position (GRCh38, 1-based): chr2:169,289,094, G>T on the plus strand (C>A on the coding strand, the complement: LRP2 is on the minus strand). VCF-style: chr2-169289094-G-T. GRCh37 (hg19) VCF-style: chr2-170145604-G-T.
Other names: short protein forms P325Q.
Identifiers: ClinVar variation 1473444 (VCV001473444.5), dbSNP rs79877455, ClinGen allele CA1955694.

ClinVar aggregate classification (germline): Uncertain significance (1 of 4 stars; one submission).

Allele frequency attached by ClinVar (database versions not stated): 1000 Genomes Project 30x 0.00031; ESP Exome Variant Server 0.00008.
gnomAD v4.1: 66 of 1,614,028 alleles (0.0041%); highest among the groups gnomAD compares: Non-Finnish European, 0.0053%; no homozygotes.

Submission:

Labcorp Genetics (formerly Invitae), Labcorp
Classification: Uncertain significance. Last evaluated: 2021-12-29. Review status: criteria provided, single submitter. Criteria: Invitae Variant Classification Sherloc (09022015). Collection method: clinical testing. Allele origin: germline.
Comment: This sequence change replaces proline, which is neutral and non-polar, with glutamine, which is neutral and polar, at codon 325 of the LRP2 protein (p.Pro325Gln). This variant is present in population databases (rs79877455, gnomAD 0.004%). This variant has not been reported in the literature in individuals affected with LRP2-related conditions. Advanced modeling of protein sequence and biophysical properties (such as structural, functional, and spatial information, amino acid conservation, physicochemical variation, residue mobility, and thermodynamic stability) performed at Invitae indicates that this missense variant is expected to disrupt LRP2 protein function. In summary, the available evidence is currently insufficient to determine the role of this variant in disease. Therefore, it has been classified as a Variant of Uncertain Significance.